The following is an entry in ClinVar:

ClinVar aggregate classification (germline): Benign. Review status: criteria provided, single submitter (1 of 4 stars). 2 submissions from 2 submitters: Benign (1). 1 of the submissions does not count toward it. Last evaluated 2018-08-20.

Conditions:
PHF3-related disorder. Also called: PHF3-related condition.

Allele frequency attached by ClinVar (database versions not stated): gnomAD exomes 0.00635; ExAC 0.00788; gnomAD 0.02471 and 0.02664; 1000 Genomes Project 0.02556; 1000 Genomes Project 30x 0.02608; ESP Exome Variant Server 0.02722; TOPMed 0.02763.
gnomAD v4.1: 7,456 of 1,613,988 alleles (0.46%); highest among the groups gnomAD compares: African/African-American, 8.8%; 289 homozygotes.

Submissions (2):

Labcorp Genetics (formerly Invitae), Labcorp
Classification: Benign. Last evaluated: 2018-08-20. Review status: criteria provided, single submitter. Criteria: Invitae Variant Classification Sherloc (09022015). Collection method: clinical testing. Allele origin: germline.

PreventionGenetics, part of Exact Sciences
Classification: Benign for PHF3-related condition. Last evaluated: 2019-11-25. Review status: no assertion criteria provided. Collection method: clinical testing. Allele origin: germline. Not counted in ClinVar's aggregate classification.
Comment: This variant is classified as benign based on ACMG/AMP sequence variant interpretation guidelines (Richards et al. 2015 PMID: 25741868, with internal and published modifications).

NM_001370348.2(PHF3):c.1294G>A (p.Glu432Lys)

Gene: PHF3 (PHD finger protein 3; plus strand). Cytogenetic location: 6q12.
Variant type: single nucleotide variant.
Coding change: c.1294G>A on transcript NM_001370348.2 (MANE Select); coding-DNA position 1294, G replaced by A.
Protein change: p.Glu432Lys; replaces glutamic acid 432 with lysine.
Molecular consequence: missense variant. On other transcripts: intron variant (1).
Genome position (GRCh38, 1-based): chr6:63,685,016, G>A. VCF-style: chr6-63685016-G-A. GRCh37 (hg19) VCF-style: chr6-64394917-G-A.
Other names: c.1030G>A, p.Glu344Lys (NM_001290259.2, NM_001370349.2); c.1294G>A, p.Glu432Lys (NM_001290260.2, NM_015153.4); c.-5+4855G>A (NM_001370350.2); short protein forms E432K, E344K.
Identifiers: ClinVar variation 778244 (VCV000778244.5), dbSNP rs75261369, ClinGen allele CA3875657.
Genomic context (GRCh38, chr6:63,685,016, plus strand): 5'-GAGAGCACTGAGTTTAATAAATCAAACTTAGAGGTGGTTGATACTAGTACTTTTGGACCG[G>A]AAAGTAATATCTTGGAAAATGCTATTTGTGATGTGCCTGACCAAAATTCAAAACAGTTGA-3'
Protein context (NP_001357277.1, residues 422-442): EVVDTSTFGP[Glu432Lys]SNILENAICD